The following is an entry in ClinVar:

NM_006618.5(KDM5B):c.1249A>G (p.Ile417Val)

Gene: KDM5B (lysine demethylase 5B; minus strand). Cytogenetic location: 1q32.1.
Variant type: single nucleotide variant.
Coding change: c.1249A>G on transcript NM_006618.5 (MANE Select); coding-DNA position 1249, A replaced by G.
Protein change: p.Ile417Val; replaces isoleucine 417 with valine.
Molecular consequence: missense variant.
Genome position (GRCh38, 1-based): chr1:202,756,465, T>C on the plus strand (A>G on the coding strand, the complement: KDM5B is on the minus strand). VCF-style: chr1-202756465-T-C. GRCh37 (hg19) VCF-style: chr1-202725593-T-C.
Other names: c.1357A>G, p.Ile453Val (NM_001314042.2); c.1114A>G, p.Ile372Val (NM_001347591.2); c.1234A>G, p.Ile412Val (NM_001399817.1); short protein forms I372V, I412V, I417V, I453V.
Identifiers: ClinVar variation 3901324 (VCV003901324.1).
Genomic context (GRCh38, chr1:202,756,465, plus strand): 5'-CACTGCCAAATTCCTTTGAGGCAATGTCAGCTCCATATTCCACTGTGACATCCTCCTCAA[T>C]AGTGCTTACTAGTCTCCAAAATTCTTTCTCAACAAGCTCTGTGGGGACCATCTGGAAATA-3'
Protein context (NP_006609.3, residues 407-427): EKEFWRLVST[Ile417Val]EEDVTVEYGA

ClinVar aggregate classification (germline): Uncertain significance (1 of 4 stars; one submission).

gnomAD v4.1: 46 of 1,611,608 alleles (0.0029%); highest among the groups gnomAD compares: South Asian, 0.04%; no homozygotes.

Submission:

GeneDx
Classification: Uncertain significance. Last evaluated: 2024-12-05. Review status: criteria provided, single submitter. Criteria: GeneDx Variant Classification Process June 2021. Collection method: clinical testing. Allele origin: germline. Affected: yes.
Comment: In silico analysis indicates that this missense variant does not alter protein structure/function; Has not been previously published as pathogenic or benign to our knowledge